The following is an entry in ClinVar:

NM_000038.6(APC):c.7573C>T (p.Arg2525Cys)

Gene: APC (APC regulator of Wnt signaling pathway; plus strand). Cytogenetic location: 5q22.2.
Variant type: single nucleotide variant.
Coding change: c.7573C>T on transcript NM_000038.6 (MANE Select); coding-DNA position 7573, C replaced by T.
Protein change: p.Arg2525Cys; replaces arginine 2525 with cysteine.
Molecular consequence: missense variant.
Genome position (GRCh38, 1-based): chr5:112,843,167, C>T. VCF-style: chr5-112843167-C-T. GRCh37 (hg19) VCF-style: chr5-112178864-C-T.
Other names: c.7573C>T, p.Arg2525Cys (NM_001127510.3, NM_001354895.2); c.7519C>T, p.Arg2507Cys (NM_001127511.3); c.7627C>T, p.Arg2543Cys (NM_001354896.2); c.7603C>T, p.Arg2535Cys (NM_001354897.2); c.7498C>T, p.Arg2500Cys (NM_001354898.2); c.7489C>T, p.Arg2497Cys (NM_001354899.2); c.7450C>T, p.Arg2484Cys (NM_001354900.2); c.7396C>T, p.Arg2466Cys (NM_001354901.2); and 5 more; short protein forms R2507C, R2525C, R2399C, R2434C, R2535C, R2543C, R2365C, R2424C.
Identifiers: ClinVar variation 218507 (VCV000218507.38), dbSNP rs774952444, ClinGen allele CA048504.

ClinVar aggregate classification (germline): Conflicting classifications of pathogenicity. Review status: criteria provided, conflicting classifications (1 of 4 stars). 13 submissions from 13 submitters: Uncertain significance (10); Benign (1); Likely benign (2). Last evaluated 2026-02-03.

Conditions:
Classic or attenuated familial adenomatous polyposis. Identifiers: MedGen CN372698, MONDO:0021057.
Hereditary cancer-predisposing syndrome. Also called: Hereditary Cancer Syndrome; Tumor predisposition; Neoplastic Syndromes, Hereditary; Hereditary neoplastic syndrome. Identifiers: Orphanet 140162, MedGen C0027672, MeSH D009386, MONDO:0015356.
Familial multiple polyposis syndrome (FAP). Also called: Familial Adenomatous Polyposis (FAP); Familial adenomatous polyposis; Familial intestinal polyposis; Classic familial adenomatous polyposis; Familial polyposis. Identifiers: Orphanet 733, MedGen C0032580, MONDO:0021055. Disease mechanism: loss of function.
Familial adenomatous polyposis 1 (FAP1). Also called: FAMILIAL ADENOMATOUS POLYPOSIS 1, ATTENUATED; POLYPOSIS, ADENOMATOUS INTESTINAL. Identifiers: MedGen C2713442, MONDO:0021056, OMIM 175100. Disease mechanism: loss of function.

Allele frequency attached by ClinVar (database versions not stated): gnomAD 0.00001 and 0.00002; TOPMed 0.00001; gnomAD exomes 0.00005; ExAC 0.00007.
gnomAD v4.1: 52 of 1,613,274 alleles (0.0032%); highest among the groups gnomAD compares: South Asian, 0.0088%; no homozygotes.

Submissions (13):

Labcorp Genetics (formerly Invitae), Labcorp
Classification: Uncertain significance for Familial adenomatous polyposis 1. Last evaluated: 2026-02-03. Review status: criteria provided, single submitter. Criteria: Invitae Variant Classification Sherloc (09022015). Collection method: clinical testing. Allele origin: germline.
Comment: This sequence change replaces arginine, which is basic and polar, with cysteine, which is neutral and slightly polar, at codon 2525 of the APC protein (p.Arg2525Cys). The frequency data for this variant in the population databases is considered unreliable, as metrics indicate poor data quality at this position in the gnomAD database. This missense change has been observed in individual(s) with biliary tract cancer and/or colorectal cancer (PMID: 25559809, 36243179). ClinVar contains an entry for this variant (Variation ID: 218507). Invitae Evidence Modeling of protein sequence and biophysical properties (such as structural, functional, and spatial information, amino acid conservation, physicochemical variation, residue mobility, and thermodynamic stability) indicates that this missense variant is not expected to disrupt APC protein function with a negative predictive value of 95%. In summary, the available evidence is currently insufficient to determine the role of this variant in disease. Therefore, it has been classified as a Variant of Uncertain Significance.

Center for Genomic Medicine, Rigshospitalet, Copenhagen University Hospital
Classification: Likely benign. Last evaluated: 2025-03-04. Review status: criteria provided, single submitter. Criteria: ACMG Guidelines, 2015. Collection method: clinical testing. Allele origin: germline.

Ambry Genetics
Classification: Benign for Hereditary cancer-predisposing syndrome. Last evaluated: 2024-10-01. Review status: criteria provided, single submitter. Criteria: Ambry Variant Classification Scheme 2023. Collection method: clinical testing. Allele origin: germline.

Blueprint Genetics
Classification: Likely benign. Last evaluated: 2024-09-24. Review status: criteria provided, single submitter. Criteria: ACMG Guidelines, 2015. Collection method: clinical testing. Allele origin: germline.

All of Us Research Program, National Institutes of Health
Classification: Uncertain significance for Classic or attenuated familial adenomatous polyposis. Last evaluated: 2024-09-23. Review status: criteria provided, single submitter. Criteria: ACMG Guidelines, 2015. Collection method: clinical testing. Allele origin: germline. Inheritance: Autosomal dominant inheritance. Observed: 9 variant alleles, 9 heterozygotes.
Comment: This missense variant replaces arginine with cysteine at codon 2525 of the APC protein. Computational prediction is inconclusive regarding the impact of this variant on protein structure and function (internally defined REVEL score threshold 0.5 < inconclusive < 0.7, PMID: 27666373). To our knowledge, functional studies have not been performed for this variant. This variant has been observed in an individual affected with colorectal cancer (PMID: 25559809), an individual affected with breast cancer (PMID: 29684080), and in individuals affected with pancreatic cancer (PMID: 32980694). This variant has been identified in 13/250824 chromosomes in the general population by the Genome Aggregation Database (gnomAD), and in healthy control individuals (PMID: 32980694). The available evidence is insufficient to determine the role of this variant in disease conclusively. Therefore, this variant is classified as a Variant of Uncertain Significance.

This study involves interpretation of variants in research participants for the purpose of population health screening. Participant phenotype was not available at the time of variant classification. Additional details can be found in publication PMID: 35346344, PMCID: PMC8962531

Color Diagnostics, LLC DBA Color Health
Classification: Uncertain significance for Hereditary cancer-predisposing syndrome. Last evaluated: 2024-06-18. Review status: criteria provided, single submitter. Criteria: ACMG Guidelines, 2015. Collection method: clinical testing. Allele origin: germline.
Comment: This missense variant replaces arginine with cysteine at codon 2525 of the APC protein. Computational prediction is inconclusive regarding the impact of this variant on protein structure and function (internally defined REVEL score threshold 0.5 < inconclusive < 0.7, PMID: 27666373). To our knowledge, functional studies have not been performed for this variant. This variant has been observed in an individual affected with colorectal cancer (PMID: 25559809). This variant has been identified in 13/250824 chromosomes in the general population by the Genome Aggregation Database (gnomAD). The available evidence is insufficient to determine the role of this variant in disease conclusively. Therefore, this variant is classified as a Variant of Uncertain Significance.

GeneDx
Classification: Uncertain significance. Last evaluated: 2024-04-16. Review status: criteria provided, single submitter. Criteria: GeneDx Variant Classification Process June 2021. Collection method: clinical testing. Allele origin: germline. Affected: yes.
Comment: In silico analysis supports that this missense variant has a deleterious effect on protein structure/function; This variant is associated with the following publications: (PMID: 25801821, 32277576, 29684080, 25559809, 36243179)

Institute for Biomarker Research, Medical Diagnostic Laboratories, L.L.C.
Classification: Uncertain significance for Hereditary cancer-predisposing syndrome. Last evaluated: 2024-04-09. Review status: criteria provided, single submitter. Criteria: ACMG Guidelines, 2015. Collection method: clinical testing. Allele origin: germline.

Baylor Genetics
Classification: Uncertain significance for Familial adenomatous polyposis 1. Last evaluated: 2024-03-14. Review status: criteria provided, single submitter. Criteria: ACMG Guidelines, 2015. Collection method: clinical testing. Allele origin: unknown.

Revvity Omics, Revvity
Classification: Uncertain significance. Last evaluated: 2022-09-19. Review status: criteria provided, single submitter. Criteria: ACMG Guidelines, 2015. Collection method: clinical testing. Allele origin: germline.

Quest Diagnostics Nichols Institute San Juan Capistrano
Classification: Uncertain significance. Last evaluated: 2017-06-27. Review status: criteria provided, single submitter. Criteria: Quest Diagnostics criteria. Collection method: clinical testing. Allele origin: germline.

Women's Health and Genetics/Laboratory Corporation of America, LabCorp
Classification: Uncertain significance. Last evaluated: 2016-12-22. Review status: criteria provided, single submitter. Criteria: LabCorp Variant Classification Summary - May 2015. Collection method: clinical testing. Allele origin: germline.

Genomic Diagnostic Laboratory, Division of Genomic Diagnostics, Children's Hospital of Philadelphia
Classification: Uncertain significance for Adenomatous polyposis coli. Last evaluated: 2015-07-10. Review status: criteria provided, single submitter. Criteria: DGD Variant Analysis Guidelines. Collection method: clinical testing. Allele origin: unknown.

Literature cited by the submitters: PubMed 25559809 (cited by 7 submitters); PubMed 36243179 (cited by Labcorp Genetics (formerly Invitae), Labcorp); PubMed 29684080 (cited by Ambry Genetics and All of Us Research Program, National Institutes of Health); PubMed 32980694 (cited by All of Us Research Program, National Institutes of Health).